The following is an entry in ClinVar:

ClinVar aggregate classification (germline): Uncertain significance. Review status: criteria provided, multiple submitters, no conflicts (2 of 4 stars). 2 submissions from 2 submitters: Uncertain significance (2). Last evaluated 2023-12-21.

Submissions (2):

GeneDx
Classification: Uncertain significance. Last evaluated: 2023-12-21. Review status: criteria provided, single submitter. Criteria: GeneDx Variant Classification Process June 2021. Collection method: clinical testing. Allele origin: germline. Affected: yes.
Comment: Not observed at significant frequency in large population cohorts (gnomAD); Missense variants in this gene are a common cause of disease and they are underrepresented in the general population; In silico analysis supports that this missense variant does not alter protein structure/function; Has not been previously published as pathogenic or benign to our knowledge; This variant is associated with the following publications: (PMID: 20829227)

Labcorp Genetics (formerly Invitae), Labcorp
Classification: Uncertain significance. Last evaluated: 2022-10-12. Review status: criteria provided, single submitter. Criteria: Invitae Variant Classification Sherloc (09022015). Collection method: clinical testing. Allele origin: germline.
Comment: In summary, the available evidence is currently insufficient to determine the role of this variant in disease. Therefore, it has been classified as a Variant of Uncertain Significance. Advanced modeling of protein sequence and biophysical properties (such as structural, functional, and spatial information, amino acid conservation, physicochemical variation, residue mobility, and thermodynamic stability) performed at Invitae indicates that this missense variant is not expected to disrupt TUBB3 protein function. This variant has not been reported in the literature in individuals affected with TUBB3-related conditions. This variant is not present in population databases (gnomAD no frequency). This sequence change replaces glutamine, which is neutral and polar, with glutamic acid, which is acidic and polar, at codon 329 of the TUBB3 protein (p.Gln329Glu).

NM_006086.4(TUBB3):c.985C>G (p.Gln329Glu)

Gene: TUBB3 (tubulin beta 3 class III; plus strand). Cytogenetic location: 16q24.3.
Variant type: single nucleotide variant.
Coding change: c.985C>G on transcript NM_006086.4 (MANE Select); coding-DNA position 985, C replaced by G.
Protein change: p.Gln329Glu; replaces glutamine 329 with glutamic acid.
Molecular consequence: missense variant.
Genome position (GRCh38, 1-based): chr16:89,935,436, C>G. VCF-style: chr16-89935436-C-G. GRCh37 (hg19) VCF-style: chr16-90001844-C-G.
Other names: c.985C>G (NM_006086.3); c.769C>G, p.Gln257Glu (NM_001197181.2); short protein forms Q329E, Q257E.
Identifiers: ClinVar variation 2808302 (VCV002808302.4), dbSNP rs1597425121, ClinGen allele CA397476265.